The following is an entry in ClinVar:

NM_014000.3(VCL):c.2579del (p.Pro860fs)

Gene: VCL (vinculin; plus strand). Cytogenetic location: 10q22.2.
Variant type: Deletion.
Coding change: c.2579del on transcript NM_014000.3 (MANE Select); coding-DNA position 2579, one base deleted (C; older notation c.2579delC).
Protein change: p.Pro860fs; shifts the reading frame from proline 860.
Molecular consequence: frameshift variant.
Genome position (GRCh38, 1-based): chr10:74,108,990, C deleted; the last of 2 consecutive C bases (chr10:74,108,989-74,108,990); deleting either gives the same sequence. VCF-style (leftmost placement, unchanged base first): chr10-74108988-TC-T. GRCh37 (hg19) VCF-style: chr10-75868746-TC-T.
Other names: c.2579del, p.Pro860fs (NM_003373.4); short protein forms P860fs.
Identifiers: ClinVar variation 968156 (VCV000968156.8), dbSNP rs1840179829, ClinGen allele CA1139661509.

ClinVar aggregate classification (germline): Uncertain significance. Review status: criteria provided, multiple submitters, no conflicts (2 of 4 stars). 2 submissions from 2 submitters: Uncertain significance (2). Last evaluated 2023-12-11.

Conditions:
Dilated cardiomyopathy 1W (CMD1W). Identifiers: Orphanet 154, MedGen C1969639, MONDO:0012667, OMIM 611407.
Hypertrophic cardiomyopathy 15. Identifiers: MedGen C2750459, MONDO:0013200, OMIM 613255.

Submissions (2):

Labcorp Genetics (formerly Invitae), Labcorp
Classification: Uncertain significance for Dilated cardiomyopathy 1W. Last evaluated: 2023-12-11. Review status: criteria provided, single submitter. Criteria: Invitae Variant Classification Sherloc (09022015). Collection method: clinical testing. Allele origin: germline.
Comment: This sequence change creates a premature translational stop signal (p.Pro860Leufs*34) in the VCL gene. It is expected to result in an absent or disrupted protein product. However, the current clinical and genetic evidence is not sufficient to establish whether loss-of-function variants in VCL cause disease. This variant is not present in population databases (gnomAD no frequency). This variant has not been reported in the literature in individuals affected with VCL-related conditions. ClinVar contains an entry for this variant (Variation ID: 968156). In summary, the available evidence is currently insufficient to determine the role of this variant in disease. Therefore, it has been classified as a Variant of Uncertain Significance.

Fulgent Genetics
Classification: Uncertain significance for Dilated cardiomyopathy 1W; Hypertrophic cardiomyopathy 15. Last evaluated: 2021-09-14. Review status: criteria provided, single submitter. Criteria: ACMG Guidelines, 2015. Collection method: clinical testing. Allele origin: unknown.